The following is an entry in ClinVar:

ClinVar aggregate classification (germline): Uncertain significance (1 of 4 stars; one submission).

Conditions:
LAMA2-related muscular dystrophy (LAMA2-RD). Also called: Laminin alpha 2-related dystrophy. Identifiers: MedGen C5679788, MONDO:0100228.

Submission:

Labcorp Genetics (formerly Invitae), Labcorp
Classification: Uncertain significance for LAMA2-related muscular dystrophy. Last evaluated: 2021-09-01. Review status: criteria provided, single submitter. Criteria: Invitae Variant Classification Sherloc (09022015). Collection method: clinical testing. Allele origin: germline.
Comment: This sequence change replaces tyrosine with cysteine at codon 2185 of the LAMA2 protein (p.Tyr2185Cys). The tyrosine residue is moderately conserved and there is a large physicochemical difference between tyrosine and cysteine. This variant is not present in population databases (ExAC no frequency). This variant has not been reported in the literature in individuals affected with LAMA2-related conditions. Algorithms developed to predict the effect of missense changes on protein structure and function are either unavailable or do not agree on the potential impact of this missense change (SIFT: "Tolerated"; PolyPhen-2: "Probably Damaging"; Align-GVGD: "Class C0"). In summary, the available evidence is currently insufficient to determine the role of this variant in disease. Therefore, it has been classified as a Variant of Uncertain Significance.

NM_000426.4(LAMA2):c.6554A>G (p.Tyr2185Cys)

Gene: LAMA2 (laminin subunit alpha 2; plus strand). Cytogenetic location: 6q22.33.
Variant type: single nucleotide variant.
Coding change: c.6554A>G on transcript NM_000426.4 (MANE Select); coding-DNA position 6554, A replaced by G.
Protein change: p.Tyr2185Cys; replaces tyrosine 2185 with cysteine.
Molecular consequence: missense variant.
Genome position (GRCh38, 1-based): chr6:129,453,112, A>G. VCF-style: chr6-129453112-A-G. GRCh37 (hg19) VCF-style: chr6-129774257-A-G.
Other names: c.6554A>G, p.Tyr2185Cys (NM_001079823.2); short protein forms Y2185C.
Identifiers: ClinVar variation 941442 (VCV000941442.7), dbSNP rs1782770298, ClinGen allele CA365616757.